The following is an entry in ClinVar:

NM_000321.3(RB1):c.1843A>T (p.Lys615Ter)

Gene: RB1 (RB transcriptional corepressor 1; plus strand). Cytogenetic location: 13q14.2.
Variant type: single nucleotide variant.
Coding change: c.1843A>T on transcript NM_000321.3 (MANE Select); coding-DNA position 1843, A replaced by T.
Protein change: p.Lys615Ter; replaces lysine 615 with a stop codon.
Molecular consequence: nonsense.
Genome position (GRCh38, 1-based): chr13:48,456,232, A>T. VCF-style: chr13-48456232-A-T. GRCh37 (hg19) VCF-style: chr13-49030368-A-T.
Other names: c.1843A>T, p.Lys615Ter (NM_001407165.1); short protein forms K615*.
Identifiers: ClinVar variation 3237032 (VCV003237032.1), dbSNP rs2542363996.
Genomic context (GRCh38, chr13:48,456,232, plus strand): 5'-GAAATGAAGACTTTTCCTTTAAATATATCTAGGTATCTTTCTCCTGTAAGATCTCCAAAG[A>T]AAAAAGGTTCAACTACGCGTGTAAATTCTACTGCAAATGCAGAGACACAAGCAACCTCAG-3'

ClinVar aggregate classification (germline): Pathogenic (1 of 4 stars; one submission).

Conditions:
Retinoblastoma (RB1). Also called: RETINOBLASTOMA, SOMATIC. Identifiers: Orphanet 790, MedGen C0035335, MeSH D012175, MONDO:0008380, OMIM 180200, HP:0009919. Disease mechanism: loss of function. Inheritance: Both sporadic and heritable forms are tested..

Submission:

Genetic Diagnostic Laboratory, University of Pennsylvania School of Medicine
Classification: Pathogenic for Retinoblastoma. Last evaluated: 2024-05-20. Review status: criteria provided, single submitter. Criteria: ACMG Guidelines, 2015. Collection method: clinical testing. Allele origin: germline. Affected: yes. Observed: 1 variant allele.
Comment: Case and Pedigree Information: BILATERAL CASES:0, UNILATERAL CASES:1, TOTAL CASES:1, PEDIGREES:1. ACMG Codes Applied:PVS1, PM2